The following is an entry in ClinVar:

ClinVar aggregate classification (germline): Uncertain significance (1 of 4 stars; one submission).

Conditions:
Alagille syndrome due to a JAG1 point mutation. Also called: HEPATIC DUCTULAR HYPOPLASIA, SYNDROMATIC; JAG1-Related Alagille Syndrome; Alagille Syndrome 1. Identifiers: Orphanet 261619, Orphanet 52, MedGen C1956125, MONDO:0016862, OMIM 118450.

Submission:

Labcorp Genetics (formerly Invitae), Labcorp
Classification: Uncertain significance for Alagille syndrome due to a JAG1 point mutation. Last evaluated: 2025-02-17. Review status: criteria provided, single submitter. Criteria: Invitae Variant Classification Sherloc (09022015). Collection method: clinical testing. Allele origin: germline.
Comment: This sequence change replaces glycine, which is neutral and non-polar, with glutamic acid, which is acidic and polar, at codon 867 of the JAG1 protein (p.Gly867Glu). This variant is not present in population databases (gnomAD no frequency). This variant has not been reported in the literature in individuals affected with JAG1-related conditions. Invitae Evidence Modeling of protein sequence and biophysical properties (such as structural, functional, and spatial information, amino acid conservation, physicochemical variation, residue mobility, and thermodynamic stability) indicates that this missense variant is not expected to disrupt JAG1 protein function with a negative predictive value of 95%. In summary, the available evidence is currently insufficient to determine the role of this variant in disease. Therefore, it has been classified as a Variant of Uncertain Significance.

NM_000214.3(JAG1):c.2600G>A (p.Gly867Glu)

Gene: JAG1 (jagged canonical Notch ligand 1; minus strand). Cytogenetic location: 20p12.2.
Variant type: single nucleotide variant.
Coding change: c.2600G>A on transcript NM_000214.3 (MANE Select); coding-DNA position 2600, G replaced by A.
Protein change: p.Gly867Glu; replaces glycine 867 with glutamic acid.
Molecular consequence: missense variant.
Genome position (GRCh38, 1-based): chr20:10,641,865, C>T on the plus strand (G>A on the coding strand, the complement: JAG1 is on the minus strand). VCF-style: chr20-10641865-C-T. GRCh37 (hg19) VCF-style: chr20-10622513-C-T.
Other names: short protein forms G867E.
Identifiers: ClinVar variation 4748231 (VCV004748231.1).